The following is an entry in ClinVar:

NM_000020.3(ACVRL1):c.430del (p.Arg144fs)

Gene: ACVRL1 (activin A receptor like type 1; plus strand). Cytogenetic location: 12q13.13.
Variant type: Deletion.
Coding change: c.430del on transcript NM_000020.3 (MANE Select); coding-DNA position 430, one base deleted (C; older notation c.430delC).
Protein change: p.Arg144fs; shifts the reading frame from arginine 144.
Molecular consequence: frameshift variant.
Genome position (GRCh38, 1-based): chr12:51,913,675, C deleted; the last of 2 consecutive C bases (chr12:51,913,674-51,913,675); deleting either gives the same sequence. VCF-style (leftmost placement, unchanged base first): chr12-51913673-TC-T. GRCh37 (hg19) VCF-style: chr12-52307457-TC-T.
Other names: c.430del, p.Arg144fs (NM_001077401.2); c.430delC, p.Arg144Aspfs (NM_001406487.1, NM_001406488.1, NM_001406489.1); short protein forms R144fs.
Identifiers: ClinVar variation 2036573 (VCV002036573.4), dbSNP rs2540160709, ClinGen allele CA2580086449.
Genomic context (GRCh38, chr12:51,913,673, plus strand): 5'-TGGGCCCCGTGCTGGCCTTGCTGGCCCTGGTGGCCCTGGGTGTCCTGGGCCTGTGGCATG[TC>T]CGACGGAGGCAGGAGAAGCAGCGTGGCCTGCACAGCGAGCTGGGAGAGTCCAGTCTCATC-3'

ClinVar aggregate classification (germline): Pathogenic (1 of 4 stars; one submission).

Conditions:
Telangiectasia, hereditary hemorrhagic, type 2 (HHT2). Also called: ACVRL1-Related Hereditary Hemorrhagic Telangiectasia; Telangiectasia, hereditary hemorrhagic, type II. Identifiers: Orphanet 774, MedGen C1838163, MONDO:0010880, OMIM 600376. Disease mechanism: loss of function.

Submission:

Labcorp Genetics (formerly Invitae), Labcorp
Classification: Pathogenic for Telangiectasia, hereditary hemorrhagic, type 2. Last evaluated: 2022-10-23. Review status: criteria provided, single submitter. Criteria: Invitae Variant Classification Sherloc (09022015). Collection method: clinical testing. Allele origin: germline.
Comment: This variant is not present in population databases (gnomAD no frequency). This sequence change creates a premature translational stop signal (p.Arg144Aspfs*21) in the ACVRL1 gene. It is expected to result in an absent or disrupted protein product. Loss-of-function variants in ACVRL1 are known to be pathogenic (PMID: 15879500). This variant has not been reported in the literature in individuals affected with ACVRL1-related conditions. For these reasons, this variant has been classified as Pathogenic.

Literature cited by the submitters: PubMed 15879500.